The following is an entry in ClinVar:

NM_001395413.1(POR):c.1761_1767dup (p.Gln590fs)

Gene: POR (cytochrome p450 oxidoreductase; plus strand). Cytogenetic location: 7q11.23.
Variant type: Duplication.
Coding change: c.1761_1767dup on transcript NM_001395413.1 (MANE Select); coding-DNA positions 1761 to 1767, 7 bases duplicated (GCTCACC; older notation c.1761_1767dupGCTCACC).
Protein change: p.Gln590fs; shifts the reading frame from glutamine 590.
Molecular consequence: frameshift variant.
Genome position (GRCh38, 1-based): chr7:75,986,023-75,986,029, GCTCACC duplicated; duplicating any 7 consecutive bases within chr7:75,986,022-75,986,029 gives the same sequence; the c. name uses the placement nearest the transcript's 3' end. VCF-style (leftmost placement, unchanged base first): chr7-75986021-G-GCGCTCAC. GRCh37 (hg19) VCF-style: chr7-75615339-G-GCGCTCAC.
Other names: c.1761_1767dup, p.Gln590fs (NM_001367562.3, NM_001382657.2, NM_001382658.3 and 1 more transcripts); c.1815_1821dup, p.Gln608fs (NM_001382655.3); c.1611_1617dup, p.Gln540fs (NM_001382662.3); c.1770_1776dup (NM_000941.2); short protein forms Q540fs, Q590fs, Q608fs.
Identifiers: ClinVar variation 591181 (VCV000591181.3), dbSNP rs1563436030, ClinGen allele CA891862846.

ClinVar aggregate classification (germline): Likely pathogenic. Review status: criteria provided, single submitter (1 of 4 stars). 2 submissions from 2 submitters: Likely pathogenic (1). 1 of the submissions does not count toward it. Last evaluated 2023-12-18.

Submissions (2):

GeneDx
Classification: Likely pathogenic. Last evaluated: 2023-12-18. Review status: criteria provided, single submitter. Criteria: GeneDx Variant Classification Process June 2021. Collection method: clinical testing. Allele origin: germline. Affected: yes.
Comment: Frameshift variant predicted to result in abnormal protein length as the last 88 amino acids are replaced with 61 different amino acids, and other similar variants have been reported in HGM; Not observed at significant frequency in large population cohorts (gnomAD); Has not been previously published as pathogenic or benign to our knowledge

Gharavi Laboratory, Columbia University
Classification: Uncertain significance. Last evaluated: 2018-09-16. Review status: no assertion criteria provided. Criteria: ACMG Guidelines, 2015. Collection method: research. Allele origin: germline. Affected: yes. Not counted in ClinVar's aggregate classification.